The following is an entry in ClinVar:

ClinVar aggregate classification (germline): Pathogenic (1 of 4 stars; one submission).

Conditions:
3-methylcrotonyl-CoA carboxylase 2 deficiency. Also called: METHYLCROTONYLGLYCINURIA, TYPE II; 3 alpha methylcrotonyl-CoA carboxylase 2 deficiency; 3 alpha methylcrotonylglycinuria 2; MCC 2 deficiency; Methylcrotonylglycinuria type 2. Identifiers: Orphanet 6, MedGen C1859499, MONDO:0008862, OMIM 210210.

Submission:

Labcorp Genetics (formerly Invitae), Labcorp
Classification: Pathogenic for 3-methylcrotonyl-CoA carboxylase 2 deficiency. Last evaluated: 2022-01-15. Review status: criteria provided, single submitter. Criteria: Invitae Variant Classification Sherloc (09022015). Collection method: clinical testing. Allele origin: germline.
Comment: For these reasons, this variant has been classified as Pathogenic. This variant has not been reported in the literature in individuals affected with MCCC2-related conditions. This variant is a gross deletion of the genomic region encompassing exon(s) 5-6 of the MCCC2 gene. This deletion is out-of-frame, and is expected to create a premature termination codon and result in an absent or disrupted protein product. Loss-of-function variants in MCCC2 are known to be pathogenic (PMID: 11181649, 22642865).

Literature cited by the submitters: PubMed 11181649; PubMed 22642865.

NC_000005.9:g.(?_70898323)_(70900305_?)del

Gene: MCCC2 (methylcrotonyl-CoA carboxylase subunit 2; plus strand). Cytogenetic location: 5q13.2.
Variant type: Deletion.
Identifiers: ClinVar variation 2426733 (VCV002426733.4).